The following is an entry in ClinVar:

NM_032447.5(FBN3):c.5401G>A (p.Gly1801Arg)

Gene: FBN3 (fibrillin 3; minus strand). Cytogenetic location: 19p13.2.
Variant type: single nucleotide variant.
Coding change: c.5401G>A on transcript NM_032447.5 (MANE Select); coding-DNA position 5401, G replaced by A.
Protein change: p.Gly1801Arg; replaces glycine 1801 with arginine.
Molecular consequence: missense variant.
Genome position (GRCh38, 1-based): chr19:8,096,893, C>T on the plus strand (G>A on the coding strand, the complement: FBN3 is on the minus strand). VCF-style: chr19-8096893-C-T. GRCh37 (hg19) VCF-style: chr19-8161777-C-T.
Other names: c.5401G>A, p.Gly1801Arg (NM_001321431.2); c.5401G>A (NM_001321431.1); short protein forms G1801R.
Identifiers: ClinVar variation 1648401 (VCV001648401.11), dbSNP rs61735544, ClinGen allele CA9151676.

ClinVar aggregate classification (germline): Benign. Review status: criteria provided, multiple submitters, no conflicts (2 of 4 stars). 3 submissions from 3 submitters: Benign (2). 1 of the submissions does not count toward it. Last evaluated 2026-02-01.

Conditions:
FBN3-related disorder. Also called: FBN3-related condition.

Allele frequency attached by ClinVar (database versions not stated): ExAC 0.01315; 1000 Genomes Project 30x 0.04310; gnomAD exomes 0.01102 and 0.00430; 1000 Genomes Project 0.04113; ESP Exome Variant Server 0.04413; TOPMed 0.04467; gnomAD 0.03964 and 0.04257.
gnomAD v4.1: 12,588 of 1,613,376 alleles (0.78%); highest among the groups gnomAD compares: African/African-American, 14%; 724 homozygotes.

Submissions (3):

Labcorp Genetics (formerly Invitae), Labcorp
Classification: Benign. Last evaluated: 2026-02-01. Review status: criteria provided, single submitter. Criteria: Invitae Variant Classification Sherloc (09022015). Collection method: clinical testing. Allele origin: germline.

Breakthrough Genomics
Classification: Benign. Review status: criteria provided, single submitter. Criteria: ACMG Guidelines, 2015. Collection method: not provided. Allele origin: germline. Inheritance: Unknown mechanism. Affected: yes.

PreventionGenetics, part of Exact Sciences
Classification: Benign for FBN3-related condition. Last evaluated: 2020-01-20. Review status: no assertion criteria provided. Collection method: clinical testing. Allele origin: germline. Not counted in ClinVar's aggregate classification.
Comment: This variant is classified as benign based on ACMG/AMP sequence variant interpretation guidelines (Richards et al. 2015 PMID: 25741868, with internal and published modifications).